The following is an entry in ClinVar:

NM_007317.3(KIF22):c.80G>A (p.Arg27His)

Gene: KIF22 (kinesin family member 22; plus strand). Cytogenetic location: 16p11.2.
Variant type: single nucleotide variant.
Coding change: c.80G>A on transcript NM_007317.3 (MANE Select); coding-DNA position 80, G replaced by A.
Protein change: p.Arg27His; replaces arginine 27 with histidine.
Molecular consequence: missense variant. On other transcripts: 5 prime UTR variant (2).
Genome position (GRCh38, 1-based): chr16:29,796,902, G>A. VCF-style: chr16-29796902-G-A. GRCh37 (hg19) VCF-style: chr16-29808223-G-A.
Other names: c.-125G>A (NM_001256269.2, NM_001256270.1); short protein forms R27H.
Identifiers: ClinVar variation 1396977 (VCV001396977.6), dbSNP rs1242541688, ClinGen allele CA395449713.

ClinVar aggregate classification (germline): Uncertain significance (1 of 4 stars; one submission).

Allele frequency attached by ClinVar (database versions not stated): TOPMed below 0.00001.

Submission:

Labcorp Genetics (formerly Invitae), Labcorp
Classification: Uncertain significance. Last evaluated: 2025-04-07. Review status: criteria provided, single submitter. Criteria: Invitae Variant Classification Sherloc (09022015). Collection method: clinical testing. Allele origin: germline.
Comment: This sequence change replaces arginine, which is basic and polar, with histidine, which is basic and polar, at codon 27 of the KIF22 protein (p.Arg27His). This variant is not present in population databases (gnomAD no frequency). This variant has not been reported in the literature in individuals affected with KIF22-related conditions. ClinVar contains an entry for this variant (Variation ID: 1396977). An algorithm developed to predict the effect of missense changes on protein structure and function (PolyPhen-2) suggests that this variant is likely to be disruptive. In summary, the available evidence is currently insufficient to determine the role of this variant in disease. Therefore, it has been classified as a Variant of Uncertain Significance.